The following is an entry in ClinVar:

NM_170606.3(KMT2C):c.8765T>C (p.Leu2922Pro)

Gene: KMT2C (lysine methyltransferase 2C; minus strand). Cytogenetic location: 7q36.1.
Variant type: single nucleotide variant.
Coding change: c.8765T>C on transcript NM_170606.3 (MANE Select); coding-DNA position 8765, T replaced by C.
Protein change: p.Leu2922Pro; replaces leucine 2922 with proline.
Molecular consequence: missense variant.
Genome position (GRCh38, 1-based): chr7:152,176,688, A>G on the plus strand (T>C on the coding strand, the complement: KMT2C is on the minus strand). VCF-style: chr7-152176688-A-G. GRCh37 (hg19) VCF-style: chr7-151873773-A-G.
Other names: short protein forms L2922P.
Identifiers: ClinVar variation 3367748 (VCV003367748.1).

ClinVar aggregate classification (germline): Uncertain significance (1 of 4 stars; one submission).

Submission:

GeneDx
Classification: Uncertain significance. Last evaluated: 2024-01-14. Review status: criteria provided, single submitter. Criteria: GeneDx Variant Classification Process June 2021. Collection method: clinical testing. Allele origin: germline. Affected: yes.
Comment: Not observed at significant frequency in large population cohorts (gnomAD); In silico analysis supports that this missense variant has a deleterious effect on protein structure/function; Has not been previously published as pathogenic or benign to our knowledge